The following continues an entry in ClinVar:

NM_000059.4(BRCA2):c.4563A>G (p.Leu1521=)

Gene: BRCA2. ClinVar aggregate classification (germline): Benign. Benign (1). ClinVar aggregate classification (somatic clinical impact): Tier IV - Benign/Likely benign.

Submissions 21 to 31 of 31:

Women's Health and Genetics/Laboratory Corporation of America, LabCorp
Classification: Benign for Hereditary breast ovarian cancer syndrome. Last evaluated: 2013-12-20. Review status: criteria provided, single submitter. Criteria: LabCorp Variant Classification Summary - May 2015. Collection method: clinical testing. Allele origin: germline. Not counted in ClinVar's aggregate classification.

Breakthrough Genomics
Classification: Benign. Review status: criteria provided, single submitter. Criteria: ACMG Guidelines, 2015. Collection method: not provided. Allele origin: germline. Inheritance: Autosomal recessive inheritance. Affected: yes. Not counted in ClinVar's aggregate classification.

GreenArray Genomic Research & Solutions of Accurate Diagnostic Private Limited
Classification: Benign for Breast-ovarian cancer, familial, susceptibility to, 2. Review status: criteria provided, single submitter. Criteria: ACMG Guidelines, 2015. Collection method: clinical testing. Allele origin: germline. Affected: no. Not counted in ClinVar's aggregate classification.

PreventionGenetics, part of Exact Sciences
Classification: Benign for BRCA2-related condition. Last evaluated: 2024-01-12. Review status: no assertion criteria provided. Collection method: clinical testing. Allele origin: germline. Not counted in ClinVar's aggregate classification.
Comment: This variant is classified as benign based on ACMG/AMP sequence variant interpretation guidelines (Richards et al. 2015 PMID: 25741868, with internal and published modifications).

Mayo Clinic Laboratories, Mayo Clinic
Classification: Benign. Last evaluated: 2016-11-28. Review status: no assertion criteria provided. Collection method: clinical testing. Allele origin: unknown. Not counted in ClinVar's aggregate classification.

Counsyl
Classification: Benign for Breast-ovarian cancer, familial 2. Last evaluated: 2014-01-02. Review status: no assertion criteria provided. Collection method: literature only. Allele origin: unknown. Inheritance: Autosomal dominant inheritance. Not counted in ClinVar's aggregate classification.
Comment: High frequency in a 1kG or ESP population: 99.9 %. This submission and the accompanying classification are no longer maintained by the submitter.

Clinical Genetics Laboratory, Department of Pathology, Netherlands Cancer Institute
Classification: Benign. Review status: no assertion criteria provided. Collection method: clinical testing. Allele origin: germline. Affected: yes. Study: VKGL Data-share Consensus. Not counted in ClinVar's aggregate classification.

Department of Pathology and Laboratory Medicine, Sinai Health System
Classification: Benign for Malignant tumor of breast. Review status: no assertion criteria provided. Collection method: clinical testing. Allele origin: unknown. Affected: yes. Study: The Canadian Open Genetics Repository (COGR). Not counted in ClinVar's aggregate classification.

Diagnostic Laboratory, Department of Genetics, University Medical Center Groningen
Classification: Benign for Breast-ovarian cancer, familial, susceptibility to, 2. Review status: no assertion criteria provided. Collection method: clinical testing. Allele origin: germline. Affected: yes. Study: VKGL Data-share Consensus. Not counted in ClinVar's aggregate classification.

Faculté Pluridciplinaire Nador, Université Mohamed Premier
Classification: Tier IV - Benign/Likely benign for Familial cancer of breast. Review status: no assertion criteria provided. Collection method: research. Allele origin: somatic. Affected: yes.
Comment: The following databases and algorithms are used to annotate and evaluate the impact of the variant in the context of human disease: 1000 genomes, gnomAD, ClinVar, OMIM, dbSNP, NCIB RefSeq Genes, ExAC Gene Constraints, VS-SIFT, VS-PolyPhen2, PhyloP, GERP++, GeneSplicer, MaxEntScan, NNSplice, PWM Splice Predictor.

Joint Genome Diagnostic Labs from Nijmegen and Maastricht, Radboudumc and MUMC+
Classification: Benign. Review status: no assertion criteria provided. Collection method: clinical testing. Allele origin: germline. Affected: yes. Study: VKGL Data-share Consensus. Not counted in ClinVar's aggregate classification.

Literature cited by the submitters: DOI 10.3389/fgene.2022.834265 (cited by National Health Laboratory Service, Universitas Academic Hospital and University of the Free State); PubMed 36329109 (cited by Genetics Program, Instituto Nacional de Cancer).